The following is an entry in ClinVar:

ClinVar aggregate classification (germline): Likely pathogenic. Review status: reviewed by expert panel (3 of 4 stars). 4 submissions from 4 submitters: Likely pathogenic (1). 3 of the submissions do not count toward it. Last evaluated 2025-03-27.

Conditions:
Leber congenital amaurosis 2 (LCA2). Also called: AMAUROSIS CONGENITA OF LEBER II; Autosomal Recessive RPE65-Related Retinal Degeneration. Identifiers: Orphanet 65, MedGen C1859844, MONDO:0008765, OMIM 204100. Disease mechanism: loss of function.
Retinitis pigmentosa 20 (RP20). Identifiers: Orphanet 791, MedGen C3151086, MONDO:0013425, OMIM 613794.
Leber congenital amaurosis (LCA). Also called: Leber's amaurosis. Identifiers: Orphanet 65, MedGen C0339527, MeSH D057130, MONDO:0018998.
RPE65-related recessive retinopathy. Also called: Recessive RPE65 retinopathy. Identifiers: MedGen CN305526, MONDO:0100368.

Allele frequency attached by ClinVar (database versions not stated): ExAC 0.00001; gnomAD exomes 0.00001; TOPMed 0.00001.
gnomAD v4.1: 8 of 1,613,186 alleles (0.0005%); highest among the groups gnomAD compares: Non-Finnish European, 0.00034%; no homozygotes.

Submissions (4):

ClinGen Leber Congenital Amaurosis/early Onset Retinal Dystrophy Variant Curation Expert Panel, ClinGen
Classification: Likely pathogenic for RPE65-related recessive retinopathy. Last evaluated: 2025-03-27. Review status: reviewed by expert panel. Criteria: ClinGen LCAeoRD ACMG Specifications RPE65 V1.0.0. Collection method: curation. Allele origin: germline. Inheritance: Autosomal recessive inheritance.
Comment: The NM_000329.3(RPE65):c.1445A>G (p.Asp482Gly) variant is a missense variant predicted to replace aspartic acid with glycine at amino acid 482 in RPE65. This variant is present in gnomAD v.4.1.0 at a GrpMax allele frequency of 0.00006, with [4/64040 total alleles in the European, Finnish population, which is lower than the ClinGen LCA / eoRD VCEP PM2_Supporting threshold of <0.0002 (PM2_Supporting). The computational predictor REVEL gives a score of 0.974, which is above the ClinGen LCA / eoRD VCEP threshold of ≥ 0.773 and predicts a damaging effect on RPE65 function (PP3_Moderate). Additionall, the splicing impact predictor SpliceAI gives a score of 0.69 for splice donor gain, which is above the ClinGen LCA / eoRD VCEP recommended threshold of ≥0.2 and predicts a damaging impact on splicing. This variant has been reported in at least 2 proband(s) with early-onset severe retinal dystrophy who were either compound heterozygous with the p.Tyr431Cys confirmed in trans (1 pt, Invitae-provided data) or with the p.Arg234* suspected in trans (0.5 points, VCEP member-provided data) which were previously classified pathogenic or likely pathogenic by the ClinGen LCA / eoRD VCEP (1.5 total points, PM3). As it is possible that these this the same proband provided by Invitae, they were not counted for additional PM3 points. This variant has also been reported in one proband in who was compound heterozygous with the Tyr79His variant suspected in trans, but was not counted due to insufficient clinical information (PMID: 30268864). The variant has been reported to segregate with childhood-onset severe retinal dystrophy through this proband plus 1 similarly affected relative, with the variant present in the compound heterozygous state (PP1; VCEP member-provided data). At least one proband harboring this variant exhibits a phenotype including nyctalopia (0.5), abnormal fundus appearance (2), optic nerve pallor (0.5), RPE mottling (0.5), symptomatic onset between birth and five years (1), decreased peripheral vision (1), abnormal color vision (1), and decreased central visual acuity (1), which together are specific for RPE65-related recessive retinopathy (7.5 points, VCEP member-provided data, PP4). In summary, this variant meets the criteria to be classified as likely pathogenic for RPE65-related recessive retinopathy based on the ACMG/AMP criteria applied, as specified by the ClinGen LCA/eoRP VCEP: PP3_Moderate, PM3, PM2_Supporting, PP1, PP4. (VCEP specifications version 1.0.0; date of approval 09/21/2023)

Natera, Inc.
Classification: Likely pathogenic for Leber congenital amaurosis. Last evaluated: 2025-06-20. Review status: criteria provided, single submitter. Criteria: Natera Variant Classification Schema (03/2026). Collection method: clinical testing. Allele origin: germline. Not counted in ClinVar's aggregate classification.
Comment: The c.1445A>G variant in RPE65 is a missense variant predicted to cause substitution of aspartic acid to glycine at amino acid 482. This variant is rare in the general population with a frequency below the threshold expected for the associated phenotype(s). This variant has been observed in one or more individuals affected with the associated recessive disease, as either homozygous or compound heterozygous with a second variant (PMID: 30268864). This variant has been identified in one or more affected individuals with a phenotype highly consistent with the associated gene (PMID: 30268864). Computational prediction algorithms indicate this variant is likely to affect gene or protein function. Given the available evidence, this variant is classified as Likely Pathogenic.

Labcorp Genetics (formerly Invitae), Labcorp
Classification: Pathogenic for Leber congenital amaurosis 2; Retinitis pigmentosa 20. Last evaluated: 2025-03-26. Review status: criteria provided, single submitter. Criteria: Invitae Variant Classification Sherloc (09022015). Collection method: clinical testing. Allele origin: germline. Not counted in ClinVar's aggregate classification.
Comment: This sequence change replaces aspartic acid, which is acidic and polar, with glycine, which is neutral and non-polar, at codon 482 of the RPE65 protein (p.Asp482Gly). This variant is present in population databases (rs749242996, gnomAD 0.004%). This missense change has been observed in individual(s) with clinical features of inherited retinal dystrophy (PMID: 30268864; internal data). In at least one individual the data is consistent with being in trans (on the opposite chromosome) from a pathogenic variant. It has also been observed to segregate with disease in related individuals. ClinVar contains an entry for this variant (Variation ID: 850287). Invitae Evidence Modeling of protein sequence and biophysical properties (such as structural, functional, and spatial information, amino acid conservation, physicochemical variation, residue mobility, and thermodynamic stability) has been performed for this missense variant. However, the output from this modeling did not meet the statistical confidence thresholds required to predict the impact of this variant on RPE65 protein function. Algorithms developed to predict the effect of sequence changes on RNA splicing suggest that this variant may disrupt the consensus splice site. For these reasons, this variant has been classified as Pathogenic.

GeneDx
Classification: Uncertain significance. Last evaluated: 2019-11-26. Review status: criteria provided, single submitter. Criteria: GeneDx Variant Classification Process June 2021. Collection method: clinical testing. Allele origin: germline. Affected: yes. Not counted in ClinVar's aggregate classification.
Comment: In silico analysis, which includes protein predictors and evolutionary conservation, supports a deleterious effect; This variant is associated with the following publications: (PMID: 30268864)

Literature cited by the submitters: PubMed 30268864 (cited by Natera, Inc. and Labcorp Genetics (formerly Invitae), Labcorp).

NM_000329.3(RPE65):c.1445A>G (p.Asp482Gly)

Gene: RPE65 (retinoid isomerohydrolase RPE65; minus strand). Cytogenetic location: 1p31.3.
Variant type: single nucleotide variant.
Coding change: c.1445A>G on transcript NM_000329.3 (MANE Select); coding-DNA position 1445, A replaced by G.
Protein change: p.Asp482Gly; replaces aspartic acid 482 with glycine.
Molecular consequence: missense variant.
Genome position (GRCh38, 1-based): chr1:68,431,070, T>C on the plus strand (A>G on the coding strand, the complement: RPE65 is on the minus strand). VCF-style: chr1-68431070-T-C. GRCh37 (hg19) VCF-style: chr1-68896753-T-C.
Other names: NM_000329.3(RPE65):c.1445A>G; p.Asp482Gly; short protein forms D482G.
Identifiers: ClinVar variation 850287 (VCV000850287.13), dbSNP rs749242996, ClinGen allele CA902169.